The following is an entry in ClinVar:

ClinVar aggregate classification (germline): Pathogenic. Review status: criteria provided, multiple submitters, no conflicts (2 of 4 stars). 2 submissions from 2 submitters: Pathogenic (2). Last evaluated 2024-04-26.

Conditions:
Meckel syndrome, type 1 (MKS1). Also called: MECKEL-GRUBER SYNDROME, TYPE 1. Identifiers: Orphanet 564, MedGen C3714506, MONDO:0009571, OMIM 249000.
Joubert syndrome. Also called: CEREBELLOPARENCHYMAL DISORDER IV; JOUBERT-BOLTSHAUSER SYNDROME; Familial aplasia of the vermis. Identifiers: Orphanet 475, MedGen C5979921, MONDO:0018772.
Meckel-Gruber syndrome. Also called: DYSENCEPHALIA SPLANCHNOCYSTICA; GRUBER SYNDROME; Dysencephalia splachnocystica. Identifiers: Orphanet 564, MedGen C0265215, MONDO:0018921.

Allele frequency attached by ClinVar (database versions not stated): gnomAD exomes below 0.00001 and 0.00002.
gnomAD v4.1: 26 of 1,605,202 alleles (0.0016%); highest among the groups gnomAD compares: Non-Finnish European, 0.0021%; no homozygotes.

Submissions (2):

Natera, Inc.
Classification: Pathogenic for Meckel syndrome type 1. Last evaluated: 2024-04-26. Review status: criteria provided, single submitter. Criteria: Natera Variant Classification Schema (03/2026). Collection method: clinical testing. Allele origin: germline.
Comment: The c.515+2T>C variant in MKS1 is a canonical splice donor site variant predicted to affect pre-mRNA splicing, which may result in an abnormal transcript and altered protein product. This variant is expected to result in nonsense mediated decay, truncation, or a dysfunctional protein product. This variant is rare in the general population with a frequency below the threshold expected for the associated phenotype(s). Another variant at this same site results in an alteration predicted to cause a similar molecular effect has been observed in individual(s) with the associated phenotype. Given the available evidence, this variant is classified as Pathogenic.

Labcorp Genetics (formerly Invitae), Labcorp
Classification: Pathogenic for Joubert syndrome; Meckel-Gruber syndrome. Last evaluated: 2021-07-21. Review status: criteria provided, single submitter. Criteria: Invitae Variant Classification Sherloc (09022015). Collection method: clinical testing. Allele origin: germline.
Comment: For these reasons, this variant has been classified as Pathogenic. Algorithms developed to predict the effect of sequence changes on RNA splicing suggest that this variant may disrupt the consensus splice site. Disruption of this splice site has been observed in individual(s) with Meckel-Gruber syndrome (PMID: 17437276). This variant is not present in population databases (ExAC no frequency). This sequence change affects a donor splice site in intron 5 of the MKS1 gene. It is expected to disrupt RNA splicing. Variants that disrupt the donor or acceptor splice site typically lead to a loss of protein function (PMID: 16199547), and loss-of-function variants in MKS1 are known to be pathogenic (PMID: 19466712, 24886560, 26490104).

Literature cited by the submitters: PubMed 17437276 (cited by Labcorp Genetics (formerly Invitae), Labcorp); PubMed 16199547 (cited by Labcorp Genetics (formerly Invitae), Labcorp); PubMed 19466712 (cited by Labcorp Genetics (formerly Invitae), Labcorp); PubMed 24886560 (cited by Labcorp Genetics (formerly Invitae), Labcorp); PubMed 26490104 (cited by Labcorp Genetics (formerly Invitae), Labcorp).

NM_017777.4(MKS1):c.515+2T>C

Gene: MKS1 (MKS transition zone complex subunit 1; minus strand). Cytogenetic location: 17q22.
Variant type: single nucleotide variant.
Coding change: c.515+2T>C on transcript NM_017777.4 (MANE Select); the canonical splice donor site of the intron after coding-DNA position 515, T replaced by C.
Molecular consequence: splice donor variant. On other transcripts: intron variant (1).
Genome position (GRCh38, 1-based): chr17:58,214,739, A>G on the plus strand (T>C on the coding strand, the complement: MKS1 is on the minus strand). VCF-style: chr17-58214739-A-G. GRCh37 (hg19) VCF-style: chr17-56292100-A-G.
Other names: c.515+2T>C (NM_017777.3, NM_001330397.2, NM_001321269.2 and 1 more transcripts); c.-94-352T>C (NM_001321268.2).
Identifiers: ClinVar variation 1431885 (VCV001431885.6), dbSNP rs1376664664, ClinGen allele CA400327108.